The following is an entry in ClinVar:

NM_022552.5(DNMT3A):c.1379G>A (p.Ser460Asn)

Gene: DNMT3A (DNA methyltransferase 3 alpha; minus strand). Cytogenetic location: 2p23.3.
Variant type: single nucleotide variant.
Coding change: c.1379G>A on transcript NM_022552.5 (MANE Select); coding-DNA position 1379, G replaced by A.
Protein change: p.Ser460Asn; replaces serine 460 with asparagine.
Molecular consequence: missense variant. On other transcripts: non-coding transcript variant (1).
Genome position (GRCh38, 1-based): chr2:25,246,210, C>T on the plus strand (G>A on the coding strand, the complement: DNMT3A is on the minus strand). VCF-style: chr2-25246210-C-T. GRCh37 (hg19) VCF-style: chr2-25469079-C-T.
Other names: c.923G>A, p.Ser308Asn (NM_001320893.1); c.710G>A, p.Ser237Asn (NM_001375819.1); c.812G>A, p.Ser271Asn (NM_153759.3); c.1379G>A, p.Ser460Asn (NM_175629.2); short protein forms S460N, S237N, S271N, S308N.
Identifiers: ClinVar variation 4617781 (VCV004617781.1).
Genomic context (GRCh38, chr2:25,246,210, plus strand): 5'-GGCCAACTACCTCTTGTGCGCTCATCAATAATCTCCTTGACCTTGGGCTTCTCCGCTGTG[C>T]TCTTCCGGGGCTTTTTGGCTGGTGGAGGTGGTGCGTAGGCAGCTGCCTCAGGTTCCACCC-3'
Protein context (NP_072046.2, residues 450-470): PPPPAKKPRK[Ser460Asn]TAEKPKVKEI

ClinVar aggregate classification (germline): Uncertain significance (1 of 4 stars; one submission).

Conditions:
Inborn genetic diseases. Identifiers: MedGen C0950123, MeSH D030342.

Submission:

Ambry Genetics
Classification: Uncertain significance for Inborn genetic diseases. Last evaluated: 2025-11-24. Review status: criteria provided, single submitter. Criteria: Ambry Variant Classification Scheme 2023. Collection method: clinical testing. Allele origin: germline.
Comment: The p.S460N variant (also known as c.1379G>A), located in coding exon 10 of the DNMT3A gene, results from a G to A substitution at nucleotide position 1379. The serine at codon 460 is replaced by asparagine, an amino acid with highly similar properties. This amino acid position is conserved. In addition, this alteration is predicted to be tolerated by in silico analysis. Based on the available evidence, the clinical significance of this variant remains unclear.